The following is an entry in ClinVar:

ClinVar aggregate classification (germline): Uncertain significance (1 of 4 stars; one submission).

Conditions:
BRAT1-related disorder. Also called: BRAT1-related condition; BRAT1-related disorders.

gnomAD v4.1: 1 of 1,597,482 alleles (0.000063%); highest among the groups gnomAD compares: Non-Finnish European, 0.000085%; no homozygotes.

Submission:

PreventionGenetics, part of Exact Sciences
Classification: Uncertain significance for BRAT1-related condition. Last evaluated: 2025-08-07. Review status: criteria provided, single submitter. Criteria: ACMG Guidelines, 2015. Collection method: clinical testing. Allele origin: germline.
Comment: The BRAT1 c.1928C>G variant is predicted to result in the amino acid substitution p.Pro643Arg. Of note, this variant is referred to as c.1771-23C>G with the more commonly reported transcript, NM_152743. To our knowledge, this variant has not been reported in the literature or in a large population database (gnomAD), indicating this variant is rare. At this time, the clinical significance of this variant is uncertain due to the absence of conclusive functional and genetic evidence.

NM_152743.4(BRAT1):c.1771-23C>G

Gene: BRAT1 (BRCA1 associated ATM activator 1; minus strand). Cytogenetic location: 7p22.3.
Variant type: single nucleotide variant.
Coding change: c.1771-23C>G on transcript NM_152743.4 (MANE Select); 23 bases into the intron before coding-DNA position 1771, C replaced by G.
Molecular consequence: intron variant. On other transcripts: missense variant (1).
Genome position (GRCh38, 1-based): chr7:2,538,787, G>C on the plus strand (C>G on the coding strand, the complement: BRAT1 is on the minus strand). VCF-style: chr7-2538787-G-C. GRCh37 (hg19) VCF-style: chr7-2578421-G-C.
Other names: c.1928C>G, p.Pro643Arg (NM_001350626.2); c.1246-23C>G (NM_001350627.2); short protein forms P643R.
Identifiers: ClinVar variation 2633088 (VCV002633088.4), dbSNP rs764676494, ClinGen allele CA2681476691.
Genomic context (GRCh38, chr7:2,538,787, plus strand): 5'-TCTACGGAGAGGATGTGCAGGAGCTCCAGGAACAGGCTCTGGGGGACAGGGAGCAAGTGC[G>C]GATGGTTGGTGGGGTGGCAGGAGCGAGGCTCCCGCAACAGGACTCCGGTACATGATGGGG-3'